The following is an entry in ClinVar:

NM_004104.5(FASN):c.7342G>A (p.Ala2448Thr)

Genes: FASN (fatty acid synthase; minus strand), LOC129390948 (MPRA-validated peak3028 silencer; plus strand). Cytogenetic location: 17q25.3.
Variant type: single nucleotide variant.
Coding change: c.7342G>A on transcript NM_004104.5 (MANE Select); coding-DNA position 7342, G replaced by A.
Protein change: p.Ala2448Thr; replaces alanine 2448 with threonine.
Molecular consequence: missense variant.
Genome position (GRCh38, 1-based): chr17:82,079,413, C>T on the plus strand (G>A on the coding strand, the complement: FASN is on the minus strand). VCF-style: chr17-82079413-C-T. GRCh37 (hg19) VCF-style: chr17-80037289-C-T.
Other names: short protein forms A2448T.
Identifiers: ClinVar variation 854765 (VCV000854765.10), dbSNP rs201822969, ClinGen allele CA8851031.

ClinVar aggregate classification (germline): Uncertain significance. Review status: criteria provided, multiple submitters, no conflicts (2 of 4 stars). 2 submissions from 2 submitters: Uncertain significance (2). Last evaluated 2025-11-08.

Conditions:
Epileptic encephalopathy. Identifiers: MedGen C0543888, HP:0200134.

Allele frequency attached by ClinVar (database versions not stated): gnomAD 0.00016 and 0.00015; ESP Exome Variant Server 0.00023; 1000 Genomes Project 30x 0.00016; 1000 Genomes Project 0.00020; TOPMed 0.00011.
gnomAD v4.1: 61 of 1,613,012 alleles (0.0038%); highest among the groups gnomAD compares: African/African-American, 0.053%; no homozygotes.

Submissions (2):

Ambry Genetics
Classification: Uncertain significance. Last evaluated: 2025-11-08. Review status: criteria provided, single submitter. Criteria: Ambry Variant Classification Scheme 2023. Collection method: clinical testing. Allele origin: germline.

Labcorp Genetics (formerly Invitae), Labcorp
Classification: Uncertain significance for Epileptic encephalopathy. Last evaluated: 2025-03-31. Review status: criteria provided, single submitter. Criteria: Invitae Variant Classification Sherloc (09022015). Collection method: clinical testing. Allele origin: germline.
Comment: This sequence change replaces alanine, which is neutral and non-polar, with threonine, which is neutral and polar, at codon 2448 of the FASN protein (p.Ala2448Thr). This variant is present in population databases (rs201822969, gnomAD 0.07%), and has an allele count higher than expected for a pathogenic variant. This variant has not been reported in the literature in individuals affected with FASN-related conditions. ClinVar contains an entry for this variant (Variation ID: 854765). An algorithm developed to predict the effect of missense changes on protein structure and function outputs the following: PolyPhen-2: "Benign". The threonine amino acid residue is found in multiple mammalian species, which suggests that this missense change does not adversely affect protein function. In summary, the available evidence is currently insufficient to determine the role of this variant in disease. Therefore, it has been classified as a Variant of Uncertain Significance.